The following is an entry in ClinVar:

NM_000465.4(BARD1):c.365-185G>A

Gene: BARD1 (BRCA1 associated RING domain 1; minus strand). Cytogenetic location: 2q35.
Variant type: single nucleotide variant.
Coding change: c.365-185G>A on transcript NM_000465.4 (MANE Select); 185 bases into the intron before coding-DNA position 365, G replaced by A.
Molecular consequence: intron variant.
Genome position (GRCh38, 1-based): chr2:214,781,694, C>T on the plus strand (G>A on the coding strand, the complement: BARD1 is on the minus strand). VCF-style: chr2-214781694-C-T. GRCh37 (hg19) VCF-style: chr2-215646418-C-T.
Other names: c.158+27718G>A (NM_001282548.2); c.308-185G>A (NM_001282543.2); c.215+15367G>A (NM_001282545.2); c.364+10603G>A (NM_001282549.2).
Identifiers: ClinVar variation 679784 (VCV000679784.1), dbSNP rs7563831, ClinGen allele CA64789421.

ClinVar aggregate classification (germline): Likely benign (1 of 4 stars; one submission).

Allele frequency attached by ClinVar (database versions not stated): gnomAD 0.00813 and 0.00870; 1000 Genomes Project 0.00819; 1000 Genomes Project 30x 0.00874; TOPMed 0.00896.
gnomAD v4.1: 1,228 of 152,026 alleles (0.81%); highest among the groups gnomAD compares: African/African-American, 2.8%; 15 homozygotes.

Submission:

GeneDx
Classification: Likely benign. Last evaluated: 2018-06-15. Review status: criteria provided, single submitter. Criteria: GeneDx Variant Classification (06012015). Collection method: clinical testing. Allele origin: germline. Affected: yes.
Comment: This variant is considered likely benign or benign based on one or more of the following criteria: it is a conservative change, it occurs at a poorly conserved position in the protein, it is predicted to be benign by multiple in silico algorithms, and/or has population frequency not consistent with disease.